The following is an entry in ClinVar:

NM_000051.4(ATM):c.2317A>C (p.Ile773Leu)

Gene: ATM (ATM serine/threonine kinase; plus strand). Cytogenetic location: 11q22.3.
Variant type: single nucleotide variant.
Coding change: c.2317A>C on transcript NM_000051.4 (MANE Select); coding-DNA position 2317, A replaced by C.
Protein change: p.Ile773Leu; replaces isoleucine 773 with leucine.
Molecular consequence: missense variant.
Genome position (GRCh38, 1-based): chr11:108,257,547, A>C. VCF-style: chr11-108257547-A-C. GRCh37 (hg19) VCF-style: chr11-108128274-A-C.
Other names: c.2317A>C, p.Ile773Leu (NM_001351834.2); short protein forms I773L.
Identifiers: ClinVar variation 231315 (VCV000231315.12), dbSNP rs876659084, ClinGen allele CA10579049.

ClinVar aggregate classification (germline): Uncertain significance. Review status: criteria provided, multiple submitters, no conflicts (2 of 4 stars). 2 submissions from 2 submitters: Uncertain significance (2). Last evaluated 2021-01-08.

Conditions:
Hereditary cancer-predisposing syndrome. Also called: Hereditary Cancer Syndrome; Neoplastic Syndromes, Hereditary; Tumor predisposition; Hereditary neoplastic syndrome. Identifiers: Orphanet 140162, MedGen C0027672, MeSH D009386, MONDO:0015356.
Ataxia-telangiectasia syndrome (AT). Also called: Ataxia telangiectasia (A-T); Ataxia-telangiectasia, complementation group E; LOUIS-BAR SYNDROME; Cerebello-oculocutaneous telangiectasia; Immunodeficiency with ataxia telangiectasia; Ataxia-telangiectasia, complementation group D. Identifiers: Orphanet 100, MedGen C0004135, MONDO:0008840, OMIM 208900.

Submissions (2):

Labcorp Genetics (formerly Invitae), Labcorp
Classification: Uncertain significance for Ataxia-telangiectasia syndrome. Last evaluated: 2021-01-08. Review status: criteria provided, single submitter. Criteria: Invitae Variant Classification Sherloc (09022015). Collection method: clinical testing. Allele origin: germline.
Comment: This sequence change replaces isoleucine with leucine at codon 773 of the ATM protein (p.Ile773Leu). The isoleucine residue is highly conserved and there is a small physicochemical difference between isoleucine and leucine. This variant is not present in population databases (ExAC no frequency). This variant has not been reported in the literature in individuals with a ATM-related disease. ClinVar contains an entry for this variant (Variation ID: 231315). Algorithms developed to predict the effect of missense changes on protein structure and function (SIFT, PolyPhen-2, Align-GVGD) all suggest that this variant is likely to be tolerated, but these predictions have not been confirmed by published functional studies and their clinical significance is uncertain. In summary, this variant has uncertain impact on ATM function. The available evidence is currently insufficient to determine its role in disease. Therefore, it has been classified as a Variant of Uncertain Significance.

Ambry Genetics
Classification: Uncertain significance for Hereditary cancer-predisposing syndrome. Last evaluated: 2015-11-06. Review status: criteria provided, single submitter. Criteria: Ambry Variant Classification Scheme 2023. Collection method: clinical testing. Allele origin: germline.
Comment: The p.I773L variant (also known as c.2317A>C), located in coding exon 14 of the ATM gene, results from an A to C substitution at nucleotide position 2317. The isoleucine at codon 773 is replaced by leucine, an amino acid with highly similar properties. This variant was not reported in population based cohorts in the following databases: Database of Single Nucleotide Polymorphisms (dbSNP), NHLBI Exome Sequencing Project (ESP), and 1000 Genomes Project. In the ESP, this variant was not observed in 6499 samples (12998 alleles) with coverage at this position. To date, this alteration has been detected with an allele frequency of approximately 0.002% (greater than 125000 alleles tested) in our clinical cohort. This amino acid position is well conserved in available vertebrate species. In addition, this alteration is predicted to be tolerated by in silico analysis. Since supporting evidence is limited at this time, the clinical significance of p.I773L remains unclear.